The following is an entry in ClinVar:

ClinVar aggregate classification (germline): Uncertain significance (1 of 4 stars; one submission).

Allele frequency attached by ClinVar (database versions not stated): gnomAD exomes below 0.00001; gnomAD 0.00001; TOPMed 0.00001; ExAC 0.00002.
gnomAD v4.1: 3 of 1,614,032 alleles (0.00019%); highest among the groups gnomAD compares: East Asian, 0.0067%; no homozygotes.

Submission:

Ambry Genetics
Classification: Uncertain significance. Last evaluated: 2023-07-13. Review status: criteria provided, single submitter. Criteria: Ambry Variant Classification Scheme 2023. Collection method: clinical testing. Allele origin: germline.
Comment: The p.L357S variant (also known as c.1070T>C), located in coding exon 3 of the ALPK2 gene, results from a T to C substitution at nucleotide position 1070. The leucine at codon 357 is replaced by serine, an amino acid with dissimilar properties. This amino acid position is conserved. In addition, the in silico prediction for this alteration is inconclusive. Since supporting evidence is limited at this time, the clinical significance of this alteration remains unclear.

NM_052947.4(ALPK2):c.1070T>C (p.Leu357Ser)

Genes: ALPK2 (alpha kinase 2; minus strand), LOC114803473 (ALPK2 eExon liver enhancer; plus strand). Cytogenetic location: 18q21.31.
Variant type: single nucleotide variant.
Coding change: c.1070T>C on transcript NM_052947.4 (MANE Select); coding-DNA position 1070, T replaced by C.
Protein change: p.Leu357Ser; replaces leucine 357 with serine.
Molecular consequence: missense variant.
Genome position (GRCh38, 1-based): chr18:58,579,706, A>G on the plus strand (T>C on the coding strand, the complement: ALPK2 is on the minus strand). VCF-style: chr18-58579706-A-G. GRCh37 (hg19) VCF-style: chr18-56246938-A-G.
Other names: short protein forms L357S.
Identifiers: ClinVar variation 2624515 (VCV002624515.2), dbSNP rs758477767, ClinGen allele CA8977335.